The following is an entry in ClinVar:

ClinVar aggregate classification (germline): Uncertain significance (1 of 4 stars; one submission).

gnomAD v4.1: 17 of 1,612,438 alleles (0.0011%); highest among the groups gnomAD compares: Admixed American, 0.0017%; no homozygotes.

Submission:

Labcorp Genetics (formerly Invitae), Labcorp
Classification: Uncertain significance. Last evaluated: 2025-12-26. Review status: criteria provided, single submitter. Criteria: Invitae Variant Classification Sherloc (09022015). Collection method: clinical testing. Allele origin: germline.
Comment: This sequence change affects codon 3142 of the SPEG mRNA. It is a 'silent' change, meaning that it does not change the encoded amino acid sequence of the SPEG protein. This variant is present in population databases (rs765540632, gnomAD 0.005%). This variant has not been reported in the literature in individuals affected with SPEG-related conditions. Algorithms developed to predict the effect of sequence changes on RNA splicing suggest that this variant may disrupt the consensus splice site. In summary, the available evidence is currently insufficient to determine the role of this variant in disease. Therefore, it has been classified as a Variant of Uncertain Significance.

NM_005876.5(SPEG):c.9426G>A (p.Thr3142=)

Genes: ASIC4-AS1 (ASIC4 antisense RNA 1; minus strand), SPEG (striated muscle enriched protein kinase; plus strand). Cytogenetic location: 2q35.
Variant type: single nucleotide variant.
Coding change: c.9426G>A on transcript NM_005876.5 (MANE Select); coding-DNA position 9426, G replaced by A.
Protein change: p.Thr3142=; no amino-acid change (threonine 3142 retained).
Molecular consequence: synonymous variant.
Genome position (GRCh38, 1-based): chr2:219,491,834, G>A. VCF-style: chr2-219491834-G-A. GRCh37 (hg19) VCF-style: chr2-220356556-G-A.
Identifiers: ClinVar variation 4702987 (VCV004702987.1).